The following is an entry in ClinVar:

ClinVar aggregate classification (germline): Uncertain significance (1 of 4 stars; one submission).

Conditions:
Early Myoclonic Encephalopathy. Identifiers: MedGen C0270855.

Submission:

Labcorp Genetics (formerly Invitae), Labcorp
Classification: Uncertain significance for Early Myoclonic Encephalopathy. Last evaluated: 2022-08-02. Review status: criteria provided, single submitter. Criteria: Invitae Variant Classification Sherloc (09022015). Collection method: clinical testing. Allele origin: germline.
Comment: In summary, the available evidence is currently insufficient to determine the role of this variant in disease. Therefore, it has been classified as a Variant of Uncertain Significance. Algorithms developed to predict the effect of missense changes on protein structure and function are either unavailable or do not agree on the potential impact of this missense change (SIFT: "Deleterious"; PolyPhen-2: "Benign"; Align-GVGD: "Class C0"). This variant has not been reported in the literature in individuals affected with JMJD1C-related conditions. This variant is not present in population databases (gnomAD no frequency). This sequence change replaces glycine, which is neutral and non-polar, with valine, which is neutral and non-polar, at codon 31 of the JMJD1C protein (p.Gly31Val).

NM_032776.3(JMJD1C):c.92G>T (p.Gly31Val)

Genes: JMJD1C (jumonji domain containing 1C; minus strand), JMJD1C-AS1 (JMJD1C antisense RNA 1; plus strand). Cytogenetic location: 10q21.3.
Variant type: single nucleotide variant.
Coding change: c.92G>T on transcript NM_032776.3 (MANE Select); coding-DNA position 92, G replaced by T.
Protein change: p.Gly31Val; replaces glycine 31 with valine.
Molecular consequence: missense variant. On other transcripts: non-coding transcript variant (1), intron variant (2).
Genome position (GRCh38, 1-based): chr10:63,465,571, C>A on the plus strand (G>T on the coding strand, the complement: JMJD1C is on the minus strand). VCF-style: chr10-63465571-C-A. GRCh37 (hg19) VCF-style: chr10-65225331-C-A.
Other names: c.92G>T, p.Gly31Val (NM_001322252.2); c.-384+56167G>T (NM_001322258.2); c.-379+56167G>T (NM_001318154.2); short protein forms G31V.
Identifiers: ClinVar variation 1714773 (VCV001714773.5), dbSNP rs1347167217, ClinGen allele CA377088289.
Genomic context (GRCh38, chr10:63,465,571, plus strand): 5'-CGGCTGTCCCTGTGTGACACGGCTCGGATGACCCCCGCTCGCCAGCTTCGCCAGCCGCGT[C>A]CGCTCTCCCAGCGCTCCGAACGTGCCTCGTCGCCGACCGCCACACACAGGAACCGCTTAC-3'
Protein context (NP_116165.1, residues 21-41): DEARSERWES[Gly31Val]RGWRSWRAGV